The following is an entry in ClinVar:

NM_033028.5(BBS4):c.782T>C (p.Val261Ala)

Gene: BBS4 (Bardet-Biedl syndrome 4; plus strand). Cytogenetic location: 15q24.1.
Variant type: single nucleotide variant.
Coding change: c.782T>C on transcript NM_033028.5 (MANE Select); coding-DNA position 782, T replaced by C.
Protein change: p.Val261Ala; replaces valine 261 with alanine.
Molecular consequence: missense variant. On other transcripts: non-coding transcript variant (2).
Genome position (GRCh38, 1-based): chr15:72,731,375, T>C. VCF-style: chr15-72731375-T-C. GRCh37 (hg19) VCF-style: chr15-73023716-T-C.
Other names: c.266T>C, p.Val89Ala (NM_001252678.2); c.713T>C, p.Val238Ala (NM_001320665.2); short protein forms V238A, V89A, V261A.
Identifiers: ClinVar variation 4981809 (VCV004981809.1).
Genomic context (GRCh38, chr15:72,731,375, plus strand): 5'-CAGCAGGCAGCATGATGCAGACCCACGGGGACTTTGATGTTGCCCTCACCAAATACAGAG[T>C]TGTGGCTTGTGCTGTTCCAGAAAGTCCTCCACTCTGGAATAACATTGGAATGTGTTTCTT-3'
Protein context (NP_149017.2, residues 251-271): DFDVALTKYR[Val261Ala]VACAVPESPP

ClinVar aggregate classification (germline): Uncertain significance (1 of 4 stars; one submission).

Conditions:
BBS4-related disorder. Also called: BBS4-related condition.

Submission:

PreventionGenetics, part of Exact Sciences
Classification: Uncertain significance for BBS4-related condition. Last evaluated: 2024-10-11. Review status: criteria provided, single submitter. Criteria: ACMG Guidelines, 2015. Collection method: clinical testing. Allele origin: germline.
Comment: The BBS4 c.782T>C variant is predicted to result in the amino acid substitution p.Val261Ala. To our knowledge, this variant has not been reported in the literature or in a large population database, indicating this variant is rare. At this time, the clinical significance of this variant is uncertain due to the absence of conclusive functional and genetic evidence.